The following is an entry in ClinVar:

NM_003051.4(SLC16A1):c.611A>C (p.Lys204Thr)

Gene: SLC16A1 (solute carrier family 16 member 1; minus strand). Cytogenetic location: 1p13.2.
Variant type: single nucleotide variant.
Coding change: c.611A>C on transcript NM_003051.4 (MANE Select); coding-DNA position 611, A replaced by C.
Protein change: p.Lys204Thr; replaces lysine 204 with threonine.
Molecular consequence: missense variant.
Genome position (GRCh38, 1-based): chr1:112,917,795, T>G on the plus strand (A>C on the coding strand, the complement: SLC16A1 is on the minus strand). VCF-style: chr1-112917795-T-G. GRCh37 (hg19) VCF-style: chr1-113460417-T-G.
Other names: c.611A>C, p.Lys204Thr (NM_001166496.2); short protein forms K204T.
Identifiers: ClinVar variation 2989203 (VCV002989203.3), dbSNP rs1394755025, ClinGen allele CA341828602.
Genomic context (GRCh38, chr1:112,917,795, plus strand): 5'-TTTTTCACACCAGATTTTCCAGCTTTCTCAAGGGATGCTTTAGACTTATCTTTCCCTGCC[T>G]TGGTTGGCTTGGGCCCGATTGGTCGCATGAGGGCTCCAGCAACACAGCAGTTTAGTAGCA-3'
Protein context (NP_003042.3, residues 194-214): LMRPIGPKPT[Lys204Thr]AGKDKSKASL

ClinVar aggregate classification (germline): Uncertain significance (1 of 4 stars; one submission).

Allele frequency attached by ClinVar (database versions not stated): gnomAD exomes below 0.00001; gnomAD 0.00001; TOPMed 0.00002.
gnomAD v4.1: 5 of 1,614,098 alleles (0.00031%); highest among the groups gnomAD compares: African/African-American, 0.004%; no homozygotes.

Submission:

Labcorp Genetics (formerly Invitae), Labcorp
Classification: Uncertain significance. Last evaluated: 2023-10-04. Review status: criteria provided, single submitter. Criteria: Invitae Variant Classification Sherloc (09022015). Collection method: clinical testing. Allele origin: germline.
Comment: This sequence change replaces lysine, which is basic and polar, with threonine, which is neutral and polar, at codon 204 of the SLC16A1 protein (p.Lys204Thr). This variant is not present in population databases (gnomAD no frequency). This variant has not been reported in the literature in individuals affected with SLC16A1-related conditions. Algorithms developed to predict the effect of missense changes on protein structure and function output the following: SIFT: "Not Available"; PolyPhen-2: "Benign"; Align-GVGD: "Not Available". The threonine amino acid residue is found in multiple mammalian species, which suggests that this missense change does not adversely affect protein function. In summary, the available evidence is currently insufficient to determine the role of this variant in disease. Therefore, it has been classified as a Variant of Uncertain Significance.